The following is an entry in ClinVar:

NM_182943.3(PLOD2):c.1483C>T (p.Arg495Ter)

Gene: PLOD2 (procollagen-lysine,2-oxoglutarate 5-dioxygenase 2; minus strand). Cytogenetic location: 3q24.
Variant type: single nucleotide variant.
Coding change: c.1483C>T on transcript NM_182943.3 (MANE Select); coding-DNA position 1483, C replaced by T.
Protein change: p.Arg495Ter; replaces arginine 495 with a stop codon.
Molecular consequence: nonsense.
Genome position (GRCh38, 1-based): chr3:146,079,133, G>A on the plus strand (C>T on the coding strand, the complement: PLOD2 is on the minus strand). VCF-style: chr3-146079133-G-A. GRCh37 (hg19) VCF-style: chr3-145796920-G-A.
Other names: c.1483C>T, p.Arg495Ter (NM_000935.3); short protein forms R495*.
Identifiers: ClinVar variation 1324939 (VCV001324939.8), dbSNP rs1436930576, ClinGen allele CA354888260.
Genomic context (GRCh38, chr3:146,079,133, plus strand): 5'-ATCTTATAAGAACATTCAAGCAAGCCATCACTGCATATCTTACCATTTCTCTAGCATTTC[G>A]GCAAAGAGCCATATCAGGATCCAGTTTATCACGAACAAAATAGTTCCTTTCATTCATCTC-3'

ClinVar aggregate classification (germline): Pathogenic/Likely pathogenic. Review status: criteria provided, multiple submitters, no conflicts (2 of 4 stars). 3 submissions from 3 submitters: Pathogenic (1); Likely pathogenic (2). Last evaluated 2024-05-26.

Conditions:
Bruck syndrome 2 (BRKS2). Also called: OSTEOGENESIS IMPERFECTA WITH CONGENITAL JOINT CONTRACTURES. Identifiers: Orphanet 2771, MedGen C1836602, MONDO:0012217, OMIM 609220.

Allele frequency attached by ClinVar (database versions not stated): gnomAD 0.00001; gnomAD exomes 0.00001 and 0.00004.
gnomAD v4.1: 64 of 1,612,476 alleles (0.004%); highest among the groups gnomAD compares: Non-Finnish European, 0.0054%; no homozygotes.

Submissions (3):

Labcorp Genetics (formerly Invitae), Labcorp
Classification: Pathogenic. Last evaluated: 2024-05-26. Review status: criteria provided, single submitter. Criteria: Invitae Variant Classification Sherloc (09022015). Collection method: clinical testing. Allele origin: germline.
Comment: This sequence change creates a premature translational stop signal (p.Arg495*) in the PLOD2 gene. It is expected to result in an absent or disrupted protein product. Loss-of-function variants in PLOD2 are known to be pathogenic (PMID: 22689593, 25238597, 29178448). This variant is present in population databases (no rsID available, gnomAD 0.003%). This variant has not been reported in the literature in individuals affected with PLOD2-related conditions. ClinVar contains an entry for this variant (Variation ID: 1324939). For these reasons, this variant has been classified as Pathogenic.

GeneDx
Classification: Likely pathogenic. Last evaluated: 2022-08-25. Review status: criteria provided, single submitter. Criteria: GeneDx Variant Classification Process June 2021. Collection method: clinical testing. Allele origin: germline. Affected: yes.
Comment: Nonsense variant predicted to result in protein truncation or nonsense mediated decay in a gene for which loss of function is a known mechanism of disease; Not observed at significant frequency in large population cohorts (gnomAD); Has not been previously published as pathogenic or benign in association with disease to our knowledge; This variant is associated with the following publications: (PMID: 33452237)

Revvity Omics, Revvity
Classification: Likely pathogenic for Bruck syndrome 2. Last evaluated: 2021-03-18. Review status: criteria provided, single submitter. Criteria: ACMG Guidelines, 2015. Collection method: clinical testing. Allele origin: germline.

Literature cited by the submitters: PubMed 22689593 (cited by Labcorp Genetics (formerly Invitae), Labcorp); PubMed 25238597 (cited by Labcorp Genetics (formerly Invitae), Labcorp); PubMed 29178448 (cited by Labcorp Genetics (formerly Invitae), Labcorp).